The following is an entry in ClinVar:

NM_001366145.2(TRPM3):c.689A>G (p.His230Arg)

Gene: TRPM3 (transient receptor potential cation channel subfamily M member 3; minus strand). Cytogenetic location: 9q21.12.
Variant type: single nucleotide variant.
Coding change: c.689A>G on transcript NM_001366145.2 (MANE Select); coding-DNA position 689, A replaced by G.
Protein change: p.His230Arg; replaces histidine 230 with arginine.
Molecular consequence: missense variant.
Genome position (GRCh38, 1-based): chr9:70,843,115, T>C on the plus strand (A>G on the coding strand, the complement: TRPM3 is on the minus strand). VCF-style: chr9-70843115-T-C. GRCh37 (hg19) VCF-style: chr9-73458031-T-C.
Other names: c.689A>G, p.His230Arg (NM_001007471.4, NM_001366146.2, NM_001366147.2 and 6 more transcripts); c.695A>G, p.His232Arg (NM_001366141.2, NM_001366142.2, NM_001366143.2 and 1 more transcripts); c.230A>G, p.His77Arg (NM_001007470.3, NM_001366154.2, NM_020952.6 and 6 more transcripts); short protein forms H230R, H232R, H77R.
Identifiers: ClinVar variation 1208301 (VCV001208301.5), dbSNP rs2094784703, ClinGen allele CA373556683.

ClinVar aggregate classification (germline): Uncertain significance (1 of 4 stars; one submission).

gnomAD v4.1: 1 of 1,579,842 alleles (0.000063%); no homozygotes.

Submission:

GeneDx
Classification: Uncertain significance. Last evaluated: 2025-10-10. Review status: criteria provided, single submitter. Criteria: GeneDx Variant Classification Process June 2021. Collection method: clinical testing. Allele origin: germline. Affected: yes.
Comment: Not observed in large population cohorts (gnomAD); In silico analysis, which includes protein predictors and evolutionary conservation, supports a deleterious effect; Has not been previously published as pathogenic or benign to our knowledge